The following is an entry in ClinVar:

ClinVar aggregate classification (germline): Likely pathogenic (1 of 4 stars; one submission).

Conditions:
Acyl-CoA dehydrogenase 9 deficiency. Also called: Acyl-CoA dehydrogenase family, member 9, deficiency of; MITOCHONDRIAL COMPLEX I DEFICIENCY, NUCLEAR TYPE 20. Identifiers: Orphanet 99901, MedGen C4747517, MONDO:0012624, OMIM 611126.

Allele frequency attached by ClinVar (database versions not stated): ExAC 0.00001.

Submission:

MGZ Medical Genetics Center
Classification: Likely pathogenic for Acyl-CoA dehydrogenase 9 deficiency. Last evaluated: 2021-08-09. Review status: criteria provided, single submitter. Criteria: ACMG Guidelines, 2015. Collection method: clinical testing. Allele origin: germline. Affected: yes. Observed: 1 variant allele.
Comment: ACMG criteria applied: PM3_STR, PM2_SUP, PP3

NM_014049.5(ACAD9):c.803C>T (p.Ser268Phe)

Gene: ACAD9 (acyl-CoA dehydrogenase family member 9; plus strand). Cytogenetic location: 3q21.3.
Variant type: single nucleotide variant.
Coding change: c.803C>T on transcript NM_014049.5 (MANE Select); coding-DNA position 803, C replaced by T.
Protein change: p.Ser268Phe; replaces serine 268 with phenylalanine.
Molecular consequence: missense variant. On other transcripts: non-coding transcript variant (1).
Genome position (GRCh38, 1-based): chr3:128,899,456, C>T. VCF-style: chr3-128899456-C-T. GRCh37 (hg19) VCF-style: chr3-128618299-C-T.
Other names: c.434C>T, p.Ser145Phe (NM_001410805.1); short protein forms S145F, S268F.
Identifiers: ClinVar variation 1709869 (VCV001709869.2), dbSNP rs752571732, ClinGen allele CA2601265.